The following is an entry in ClinVar:

NM_014946.4(SPAST):c.94G>C (p.Ala32Pro)

Gene: SPAST (spastin; plus strand). Cytogenetic location: 2p22.3.
Variant type: single nucleotide variant.
Coding change: c.94G>C on transcript NM_014946.4 (MANE Select); coding-DNA position 94, G replaced by C.
Protein change: p.Ala32Pro; replaces alanine 32 with proline.
Molecular consequence: missense variant.
Genome position (GRCh38, 1-based): chr2:32,063,925, G>C. VCF-style: chr2-32063925-G-C. GRCh37 (hg19) VCF-style: chr2-32288994-G-C.
Other names: c.94G>C, p.Ala32Pro (NM_001363823.2, NM_001363875.2, NM_001377959.1 and 1 more transcripts); short protein forms A32P.
Identifiers: ClinVar variation 3777314 (VCV003777314.1).

ClinVar aggregate classification (germline): Uncertain significance (1 of 4 stars; one submission).

Submission:

GeneDx
Classification: Uncertain significance. Last evaluated: 2024-10-09. Review status: criteria provided, single submitter. Criteria: GeneDx Variant Classification Process June 2021. Collection method: clinical testing. Allele origin: germline. Affected: yes.
Comment: Not observed at significant frequency in large population cohorts (gnomAD); In silico analysis indicates that this missense variant does not alter protein structure/function; Has not been previously published as pathogenic or benign to our knowledge